The following is an entry in ClinVar:

NM_007194.4(CHEK2):c.1258del (p.Cys420fs)

Gene: CHEK2 (checkpoint kinase 2; minus strand). Cytogenetic location: 22q12.1.
Variant type: Deletion.
Coding change: c.1258del on transcript NM_007194.4 (MANE Select); coding-DNA position 1258, one base deleted (T; older notation c.1258delT).
Protein change: p.Cys420fs; shifts the reading frame from cysteine 420.
Molecular consequence: frameshift variant.
Genome position (GRCh38, 1-based): chr22:28,695,711, A deleted on the plus strand (T on the coding strand, the reverse complement: CHEK2 is on the minus strand). VCF-style (leftmost placement, unchanged base first): chr22-28695710-CA-C. GRCh37 (hg19) VCF-style: chr22-29091698-CA-C.
Other names: c.1387delT, p.Cys463Alafs (NM_001005735.3); c.595delT, p.Cys199Alafs (NM_001257387.3); c.1057delT, p.Cys353Alafs (NM_001349956.3); c.1171delT, p.Cys391Alafs (NM_145862.3); short protein forms C353fs, C420fs, C199fs, C391fs, C463fs.
Identifiers: ClinVar variation 2710272 (VCV002710272.3), dbSNP rs2517803661, ClinGen allele CA2697552650.

ClinVar aggregate classification (germline): Pathogenic (1 of 4 stars; one submission).

Conditions:
Familial cancer of breast. Also called: hereditary breast carcinoma; Hereditary breast cancer; BREAST CANCER, FAMILIAL. Identifiers: Orphanet 227535, MedGen C0346153, MONDO:0016419, OMIM 114480. Disease mechanism: loss of function.

Submission:

Labcorp Genetics (formerly Invitae), Labcorp
Classification: Pathogenic for Familial cancer of breast. Last evaluated: 2024-01-19. Review status: criteria provided, single submitter. Criteria: Invitae Variant Classification Sherloc (09022015). Collection method: clinical testing. Allele origin: germline.
Comment: This sequence change creates a premature translational stop signal (p.Cys420Alafs*17) in the CHEK2 gene. It is expected to result in an absent or disrupted protein product. Loss-of-function variants in CHEK2 are known to be pathogenic (PMID: 21876083, 24713400). This variant is not present in population databases (gnomAD no frequency). This variant has not been reported in the literature in individuals affected with CHEK2-related conditions. For these reasons, this variant has been classified as Pathogenic.

Literature cited by the submitters: PubMed 21876083; PubMed 24713400.